The following is an entry in ClinVar:

ClinVar aggregate classification (germline): Uncertain significance (1 of 4 stars; one submission).

Submission:

Labcorp Genetics (formerly Invitae), Labcorp
Classification: Uncertain significance. Last evaluated: 2025-02-26. Review status: criteria provided, single submitter. Criteria: Invitae Variant Classification Sherloc (09022015). Collection method: clinical testing. Allele origin: germline.
Comment: This sequence change replaces tyrosine, which is neutral and polar, with phenylalanine, which is neutral and non-polar, at codon 100 of the TM4SF20 protein (p.Tyr100Phe). This variant is not present in population databases (gnomAD no frequency). This variant has not been reported in the literature in individuals affected with TM4SF20-related conditions. An algorithm developed to predict the effect of missense changes on protein structure and function (PolyPhen-2) suggests that this variant is likely to be disruptive. In summary, the available evidence is currently insufficient to determine the role of this variant in disease. Therefore, it has been classified as a Variant of Uncertain Significance.

NM_024795.4(TM4SF20):c.299A>T (p.Tyr100Phe)

Gene: TM4SF20 (transmembrane 4 L six family member 20; minus strand). Cytogenetic location: 2q36.3.
Variant type: single nucleotide variant.
Coding change: c.299A>T on transcript NM_024795.4 (MANE Select); coding-DNA position 299, A replaced by T.
Protein change: p.Tyr100Phe; replaces tyrosine 100 with phenylalanine.
Molecular consequence: missense variant.
Genome position (GRCh38, 1-based): chr2:227,366,195, T>A on the plus strand (A>T on the coding strand, the complement: TM4SF20 is on the minus strand). VCF-style: chr2-227366195-T-A. GRCh37 (hg19) VCF-style: chr2-228230911-T-A.
Other names: short protein forms Y100F.
Identifiers: ClinVar variation 4762224 (VCV004762224.1).